The following is an entry in ClinVar:

ClinVar aggregate classification (germline): Conflicting classifications of pathogenicity. Review status: criteria provided, conflicting classifications (1 of 4 stars). 6 submissions from 6 submitters: Likely pathogenic (2); Uncertain significance (3). 1 of the submissions does not count toward it. Last evaluated 2025-12-29.

Conditions:
Glutaric aciduria, type 1. Also called: Glutaricacidemia Type 1; Glutaricaciduria, type I; Glutaric Acidemia Type 1; GA I; Glutaryl-CoA dehydrogenase deficiency; Glutaric acidemia type I. Identifiers: Orphanet 25, MedGen C0268595, MONDO:0009281, OMIM 231670.

Allele frequency attached by ClinVar (database versions not stated): gnomAD below 0.00001 and 0.00001; TOPMed below 0.00001; ExAC 0.00001; gnomAD exomes 0.00001.
gnomAD v4.1: 23 of 1,614,044 alleles (0.0014%); highest among the groups gnomAD compares: South Asian, 0.022%; no homozygotes.

Submissions (6):

First Genomix Gene Laboratory, Genetic Diagnostics Department
Classification: Likely pathogenic for Glutaric aciduria, type 1. Last evaluated: 2025-12-29. Review status: criteria provided, single submitter. Criteria: ACMG Guidelines, 2015. Collection method: clinical testing. Allele origin: germline. Inheritance: Autosomal recessive inheritance. Affected: no. Observed: 1 variant allele.

Genomic Medicine Center of Excellence, King Faisal Specialist Hospital and Research Centre
Classification: Likely pathogenic for Glutaric aciduria, type 1. Last evaluated: 2024-12-19. Review status: criteria provided, single submitter. Criteria: ACMG Guidelines, 2015. Collection method: clinical testing. Allele origin: germline.

Labcorp Genetics (formerly Invitae), Labcorp
Classification: Uncertain significance for Glutaric aciduria, type 1. Last evaluated: 2021-08-27. Review status: criteria provided, single submitter. Criteria: Invitae Variant Classification Sherloc (09022015). Collection method: clinical testing. Allele origin: germline.
Comment: This sequence change replaces threonine with isoleucine at codon 261 of the GCDH protein (p.Thr261Ile). The threonine residue is highly conserved and there is a moderate physicochemical difference between threonine and isoleucine. This variant is present in population databases (rs777494547, ExAC 0.006%). This variant has not been reported in the literature in individuals affected with GCDH-related conditions. Algorithms developed to predict the effect of missense changes on protein structure and function (SIFT, PolyPhen-2, Align-GVGD) all suggest that this variant is likely to be disruptive. In summary, the available evidence is currently insufficient to determine the role of this variant in disease. Therefore, it has been classified as a Variant of Uncertain Significance.

Illumina Laboratory Services, Illumina
Classification: Uncertain significance for Glutaric aciduria, type 1. Last evaluated: 2018-01-13. Review status: criteria provided, single submitter. Criteria: ICSL Variant Classification Criteria 13 December 2019. Collection method: clinical testing. Allele origin: germline.

Neuberg Centre For Genomic Medicine, NCGM
Classification: Uncertain significance for Glutaric aciduria, type 1. Review status: criteria provided, single submitter. Criteria: ACMG Guidelines, 2015. Collection method: clinical testing. Allele origin: germline. Inheritance: Autosomal recessive inheritance. Affected: yes.
Comment: The observed missense c.782C>T(p.Thr261Ile) variant in GCDH gene has not been reported previously as a pathogenic variant nor as a benign variant, to our knowledge. This variant is present with an allele frequency of 0.001% in gnomAD Exomes database. This variant has been reported to the ClinVar database as Uncertain significance (multiple submissions). Multiple lines of computational evidence (Polyphen - probably damaging , SIFT - damaging and MutationTaster - disease causing) predict a damaging effect on protein structure and function for this variant. The reference amino acid is predicted as conserved by GERP++ and PhyloP across 100 vertebrates. The amino acid Thr at position 261 is changed to a Ile changing protein sequence and it might alter its composition and physico-chemical properties. For these reasons, this variant has been classified as Uncertain Significance (VUS).

Natera, Inc.
Classification: Uncertain significance for Glutaric acidemia type 1. Last evaluated: 2020-03-11. Review status: no assertion criteria provided. Collection method: clinical testing. Allele origin: germline. Not counted in ClinVar's aggregate classification.

NM_000159.4(GCDH):c.782C>T (p.Thr261Ile)

Gene: GCDH (glutaryl-CoA dehydrogenase; plus strand). Cytogenetic location: 19p13.13.
Variant type: single nucleotide variant.
Coding change: c.782C>T on transcript NM_000159.4 (MANE Select); coding-DNA position 782, C replaced by T.
Protein change: p.Thr261Ile; replaces threonine 261 with isoleucine.
Molecular consequence: missense variant. On other transcripts: non-coding transcript variant (2).
Genome position (GRCh38, 1-based): chr19:12,896,351, C>T. VCF-style: chr19-12896351-C-T. GRCh37 (hg19) VCF-style: chr19-13007165-C-T.
Other names: c.782C>T, p.Thr261Ile (NM_013976.5); short protein forms T261I.
Identifiers: ClinVar variation 648642 (VCV000648642.12), dbSNP rs777494547, ClinGen allele CA9234487.